The following is an entry in ClinVar:

NM_024996.7(GFM1):c.220G>T (p.Ala74Ser)

Gene: GFM1 (G elongation factor mitochondrial 1; plus strand). Cytogenetic location: 3q25.32.
Variant type: single nucleotide variant.
Coding change: c.220G>T on transcript NM_024996.7 (MANE Select); coding-DNA position 220, G replaced by T.
Protein change: p.Ala74Ser; replaces alanine 74 with serine.
Molecular consequence: missense variant. On other transcripts: 5 prime UTR variant (4), non-coding transcript variant (4).
Genome position (GRCh38, 1-based): chr3:158,645,767, G>T. VCF-style: chr3-158645767-G-T. GRCh37 (hg19) VCF-style: chr3-158363556-G-T.
Other names: c.220G>T (NM_001308164.1); c.220G>T, p.Ala74Ser (NM_001308164.2, NM_001308166.2, NM_001374355.1 and 2 more transcripts); c.-6G>T (NM_001374357.1); c.-10G>T (NM_001374359.1, NM_001374360.1, NM_001374361.1); short protein forms A74S.
Identifiers: ClinVar variation 746761 (VCV000746761.19), dbSNP rs140377587, ClinGen allele CA2682249.

ClinVar aggregate classification (germline): Likely benign. Review status: criteria provided, multiple submitters, no conflicts (2 of 4 stars). 5 submissions from 5 submitters: Likely benign (3). 2 of the submissions do not count toward it. Last evaluated 2026-01-04.

Conditions:
Hepatoencephalopathy due to combined oxidative phosphorylation defect type 1. Also called: HEPATOENCEPHALOPATHY, EARLY FATAL PROGRESSIVE. Identifiers: Orphanet 137681, MedGen C1836797, MONDO:0012191, OMIM 609060.
GFM1-related disorder. Also called: GFM1-related condition.

Allele frequency attached by ClinVar (database versions not stated): gnomAD exomes 0.00018 and 0.00043; ExAC 0.00041; 1000 Genomes Project 30x 0.00125; 1000 Genomes Project 0.00140; gnomAD 0.00143 and 0.00155; TOPMed 0.00187; ESP Exome Variant Server 0.00192.
gnomAD v4.1: 481 of 1,612,426 alleles (0.03%); highest among the groups gnomAD compares: African/African-American, 0.57%; 2 homozygotes.

Submissions (5):

Labcorp Genetics (formerly Invitae), Labcorp
Classification: Likely benign. Last evaluated: 2026-01-04. Review status: criteria provided, single submitter. Criteria: Invitae Variant Classification Sherloc (09022015). Collection method: clinical testing. Allele origin: germline.

Blueprint Genetics
Classification: Likely benign. Last evaluated: 2024-10-02. Review status: criteria provided, single submitter. Criteria: ACMG Guidelines, 2015. Collection method: clinical testing. Allele origin: germline.

GeneDx
Classification: Likely benign. Last evaluated: 2021-10-28. Review status: criteria provided, single submitter. Criteria: GeneDx Variant Classification Process June 2021. Collection method: clinical testing. Allele origin: germline. Affected: yes.

Natera, Inc.
Classification: Uncertain significance for Combined oxidative phosphorylation deficiency 1. Last evaluated: 2019-11-11. Review status: no assertion criteria provided. Collection method: clinical testing. Allele origin: germline. Not counted in ClinVar's aggregate classification.

PreventionGenetics, part of Exact Sciences
Classification: Likely benign for GFM1-related condition. Last evaluated: 2019-05-08. Review status: no assertion criteria provided. Collection method: clinical testing. Allele origin: germline. Not counted in ClinVar's aggregate classification.
Comment: This variant is classified as likely benign based on ACMG/AMP sequence variant interpretation guidelines (Richards et al. 2015 PMID: 25741868, with internal and published modifications).